The following is an entry in ClinVar:

ClinVar aggregate classification (germline): Pathogenic. Review status: criteria provided, multiple submitters, no conflicts (2 of 4 stars). 4 submissions from 4 submitters: Pathogenic (4). Last evaluated 2025-11-12.

Conditions:
Familial adenomatous polyposis 1 (FAP1). Also called: FAMILIAL ADENOMATOUS POLYPOSIS 1, ATTENUATED; POLYPOSIS, ADENOMATOUS INTESTINAL. Identifiers: MedGen C2713442, MONDO:0021056, OMIM 175100. Disease mechanism: loss of function.
Hereditary cancer-predisposing syndrome. Also called: Hereditary neoplastic syndrome; Tumor predisposition; Hereditary Cancer Syndrome; Neoplastic Syndromes, Hereditary. Identifiers: Orphanet 140162, MedGen C0027672, MeSH D009386, MONDO:0015356.
Familial multiple polyposis syndrome (FAP). Also called: Familial Adenomatous Polyposis (FAP); Familial adenomatous polyposis; Familial intestinal polyposis; Familial polyposis; Classic familial adenomatous polyposis. Identifiers: Orphanet 733, MedGen C0032580, MONDO:0021055. Disease mechanism: loss of function.

Submissions (4):

Ambry Genetics
Classification: Pathogenic for Hereditary cancer-predisposing syndrome. Last evaluated: 2025-11-12. Review status: criteria provided, single submitter. Criteria: Ambry Variant Classification Scheme 2023. Collection method: clinical testing. Allele origin: germline.
Comment: The c.1210dupA pathogenic mutation, located in coding exon 9 of the APC gene, results from a duplication of A at nucleotide position 1210, causing a translational frameshift with a predicted alternate stop codon (p.I404Nfs*15). This variant was reported in individual(s) with features consistent with APC-related familial adenomatous polyposis (Ambry internal data). This variant is considered to be rare based on population cohorts in the Genome Aggregation Database (gnomAD).This alteration is expected to result in loss of function by premature protein truncation or nonsense-mediated mRNA decay. As such, this alteration is interpreted as a disease-causing mutation.

Labcorp Genetics (formerly Invitae), Labcorp
Classification: Pathogenic for Familial adenomatous polyposis 1. Last evaluated: 2025-07-20. Review status: criteria provided, single submitter. Criteria: Invitae Variant Classification Sherloc (09022015). Collection method: clinical testing. Allele origin: germline.
Comment: This sequence change creates a premature translational stop signal (p.Ile404Asnfs*15) in the APC gene. It is expected to result in an absent or disrupted protein product. Loss-of-function variants in APC are known to be pathogenic (PMID: 17963004, 20685668). This variant is not present in population databases (gnomAD no frequency). This variant has not been reported in the literature in individuals affected with APC-related conditions. ClinVar contains an entry for this variant (Variation ID: 2584037). For these reasons, this variant has been classified as Pathogenic.

Women's Health and Genetics/Laboratory Corporation of America, LabCorp
Classification: Pathogenic for Familial multiple polyposis syndrome. Last evaluated: 2025-02-10. Review status: criteria provided, single submitter. Criteria: LabCorp Variant Classification Summary - May 2015. Collection method: clinical testing. Allele origin: germline.
Comment: Variant summary: APC c.1210dupA (p.Ile404AsnfsX15) results in a premature termination codon, predicted to cause a truncation of the encoded protein or absence of the protein due to nonsense mediated decay, which are commonly known mechanisms for disease. The variant was absent in 250352 control chromosomes. To our knowledge, no occurrence of c.1210dupA in individuals affected with Familial Adenomatous Polyposis and no experimental evidence demonstrating its impact on protein function have been reported. ClinVar contains an entry for this variant (Variation ID: 2584037). Based on the evidence outlined above, the variant was classified as pathogenic.

Myriad Genetics, Inc.
Classification: Pathogenic for Familial adenomatous polyposis 1. Last evaluated: 2023-04-28. Review status: criteria provided, single submitter. Criteria: Myriad Autosomal Dominant, Autosomal Recessive and X-Linked Classification Criteria (2023). Collection method: clinical testing. Allele origin: unknown.
Comment: This variant is considered pathogenic. This variant creates a frameshift predicted to result in premature protein truncation.

Literature cited by the submitters: PubMed 17963004 (cited by Labcorp Genetics (formerly Invitae), Labcorp); PubMed 20685668 (cited by Labcorp Genetics (formerly Invitae), Labcorp).

NM_000038.6(APC):c.1210dup (p.Ile404fs)

Gene: APC (APC regulator of Wnt signaling pathway; plus strand). Cytogenetic location: 5q22.2.
Variant type: Duplication.
Coding change: c.1210dup on transcript NM_000038.6 (MANE Select); coding-DNA position 1210, one base duplicated (A; older notation c.1210dupA).
Protein change: p.Ile404fs; shifts the reading frame from isoleucine 404.
Molecular consequence: frameshift variant. On other transcripts: non-coding transcript variant (2), intron variant (15).
Genome position (GRCh38, 1-based): chr5:112,819,242, A duplicated; the last of 3 consecutive A bases (chr5:112,819,240-112,819,242); duplicating any one gives the same sequence. VCF-style (leftmost placement, unchanged base first): chr5-112819239-G-GA. GRCh37 (hg19) VCF-style: chr5-112154936-G-GA.
Other names: c.1210dupA (NM_000038.6, NM_000038.5); c.1210dup, p.Ile404fs (NM_001127510.3, NM_001354895.2, NM_001354896.2 and 4 more transcripts); c.1156dup, p.Ile386fs (NM_001127511.3); c.1240dup, p.Ile414fs (NM_001354897.2, NM_001407446.1); c.1135dup, p.Ile379fs (NM_001354898.2, NM_001407451.1); c.1126dup, p.Ile376fs (NM_001354899.2, NM_001407452.1); c.1033dup, p.Ile345fs (NM_001354900.2, NM_001354901.2, NM_001407453.1); c.361dup, p.Ile121fs (NM_001354906.2, NM_001407470.1); and 6 more; short protein forms I121fs, I345fs, I376fs, I379fs, I386fs, I404fs, I414fs.
Identifiers: ClinVar variation 2584037 (VCV002584037.5), dbSNP rs1064794225, ClinGen allele CA2582341262.
Genomic context (GRCh38, chr5:112,819,239, plus strand): 5'-GCCAGTGCAGCACTCCACAACATCATTCACTCACAGCCTGATGACAAGAGAGGCAGGCGT[G>GA]AAATCCGAGTCCTTCATCTTTTGGAACAGATACGCGCTTACTGTGAAACCTGTTGGGAGT-3'